The following is an entry in ClinVar:

NM_001384290.1(HLA-G):c.372C>T (p.Gly124=)

Gene: HLA-G (major histocompatibility complex, class I, G; plus strand). Cytogenetic location: 6p22.1.
Variant type: single nucleotide variant.
Coding change: c.372C>T on transcript NM_001384290.1 (MANE Select); coding-DNA position 372, C replaced by T.
Protein change: p.Gly124=; no amino-acid change (glycine 124 retained).
Molecular consequence: synonymous variant.
Genome position (GRCh38, 1-based): chr6:29,828,571, C>T. VCF-style: chr6-29828571-C-T. GRCh37 (hg19) VCF-style: chr6-29796348-C-T.
Other names: c.387C>T, p.Gly129= (NM_001363567.2, NM_001384280.1); c.372C>T, p.Gly124= (NM_002127.6).
Identifiers: ClinVar variation 782473 (VCV000782473.5), dbSNP rs79303923, ClinGen allele CA3691799.
Genomic context (GRCh38, chr6:29,828,571, plus strand): 5'-GTGGGCGGGGCTGACCGAGGGGGTGGGGCCAGGTTCTCACACCCTCCAGTGGATGATTGG[C>T]TGCGACCTGGGGTCCGACGGACGCCTCCTCCGCGGGTATGAACAGTATGCCTACGATGGC-3'
Protein context (NP_001371219.1, residues 114-134): ASSHTLQWMI[Gly124=]CDLGSDGRLL

ClinVar aggregate classification (germline): Benign/Likely benign. Review status: criteria provided, multiple submitters, no conflicts (2 of 4 stars). 2 submissions from 2 submitters: Benign (1); Likely benign (1). Last evaluated 2026-05-01.

Allele frequency attached by ClinVar (database versions not stated): 1000 Genomes Project 0.00200; 1000 Genomes Project 30x 0.00203; ExAC 0.00203; gnomAD exomes 0.00225 and 0.00414; gnomAD 0.00357 and 0.00371; TOPMed 0.00417; ESP Exome Variant Server 0.00427.
gnomAD v4.1: 6,638 of 1,612,976 alleles (0.41%); highest among the groups gnomAD compares: African/African-American, 0.51%; 24 homozygotes.

Submissions (2):

CeGaT Center for Human Genetics Tuebingen
Classification: Likely benign. Last evaluated: 2026-05-01. Review status: criteria provided, single submitter. Criteria: CeGaT Center For Human Genetics Tuebingen Variant Classification Criteria Version 2. Collection method: clinical testing. Allele origin: germline. Affected: yes. Observed: 1 variant allele.
Comment: HLA-G: BP4, BP7, BS2

Labcorp Genetics (formerly Invitae), Labcorp
Classification: Benign. Last evaluated: 2018-06-08. Review status: criteria provided, single submitter. Criteria: Invitae Variant Classification Sherloc (09022015). Collection method: clinical testing. Allele origin: germline.